The following is an entry in ClinVar:

ClinVar aggregate classification (germline): Uncertain significance (1 of 4 stars; one submission).

Allele frequency attached by ClinVar (database versions not stated): gnomAD exomes below 0.00001; gnomAD 0.00003.
gnomAD v4.1: 6 of 1,063,562 alleles (0.00056%); highest among the groups gnomAD compares: African/African-American, 0.0086%; no homozygotes.

Submission:

Labcorp Genetics (formerly Invitae), Labcorp
Classification: Uncertain significance. Last evaluated: 2025-02-24. Review status: criteria provided, single submitter. Criteria: Invitae Variant Classification Sherloc (09022015). Collection method: clinical testing. Allele origin: germline.
Comment: This sequence change replaces alanine, which is neutral and non-polar, with valine, which is neutral and non-polar, at codon 23 of the ADGRA3 protein (p.Ala23Val). This variant is present in population databases (no rsID available, gnomAD 0.02%). This variant has not been reported in the literature in individuals affected with ADGRA3-related conditions. ClinVar contains an entry for this variant (Variation ID: 1353677). Experimental studies and prediction algorithms are not available or were not evaluated, and the functional significance of this variant is currently unknown. In summary, the available evidence is currently insufficient to determine the role of this variant in disease. Therefore, it has been classified as a Variant of Uncertain Significance.

NM_145290.4(ADGRA3):c.68C>T (p.Ala23Val)

Gene: ADGRA3 (adhesion G protein-coupled receptor A3; minus strand). Cytogenetic location: 4p15.2.
Variant type: single nucleotide variant.
Coding change: c.68C>T on transcript NM_145290.4 (MANE Select); coding-DNA position 68, C replaced by T.
Protein change: p.Ala23Val; replaces alanine 23 with valine.
Molecular consequence: missense variant.
Genome position (GRCh38, 1-based): chr4:22,515,717, G>A on the plus strand (C>T on the coding strand, the complement: ADGRA3 is on the minus strand). VCF-style: chr4-22515717-G-A. GRCh37 (hg19) VCF-style: chr4-22517340-G-A.
Other names: short protein forms A23V.
Identifiers: ClinVar variation 1353677 (VCV001353677.8), dbSNP rs946612775, ClinGen allele CA94061044.
Genomic context (GRCh38, chr4:22,515,717, plus strand): 5'-CAGCCGGCGGGCAGCGCCGCGGCGCCGCCGCCGCCGCCGCCTCCCAGCAGCGCGAGCAGC[G>A]CTAACAGCGAGAGCGGCAGCAACAGCGGCGGCTGCGCGCGGCCCCGCCGGCGTCCGGGTG-3'
Protein context (NP_660333.2, residues 13-33): PPLLLPLSLL[Ala23Val]LLALLGGGGG